The following is an entry in ClinVar:

ClinVar aggregate classification (germline): Uncertain significance (1 of 4 stars; one submission).

Submission:

Ambry Genetics
Classification: Uncertain significance. Last evaluated: 2022-09-01. Review status: criteria provided, single submitter. Criteria: Ambry Variant Classification Scheme 2023. Collection method: clinical testing. Allele origin: germline.
Comment: The p.S265G variant (also known as c.793A>G), located in coding exon 6 of the RINT1 gene, results from an A to G substitution at nucleotide position 793. The serine at codon 265 is replaced by glycine, an amino acid with similar properties. This amino acid position is conserved. In addition, this alteration is predicted to be tolerated by in silico analysis. Since supporting evidence is limited at this time, the clinical significance of this alteration remains unclear.

NM_021930.6(RINT1):c.793A>G (p.Ser265Gly)

Gene: RINT1 (RAD50 interactor 1; plus strand). Cytogenetic location: 7q22.3.
Variant type: single nucleotide variant.
Coding change: c.793A>G on transcript NM_021930.6 (MANE Select); coding-DNA position 793, A replaced by G.
Protein change: p.Ser265Gly; replaces serine 265 with glycine.
Molecular consequence: missense variant. On other transcripts: 5 prime UTR variant (2), non-coding transcript variant (1), intron variant (1).
Genome position (GRCh38, 1-based): chr7:105,547,287, A>G. VCF-style: chr7-105547287-A-G. GRCh37 (hg19) VCF-style: chr7-105187734-A-G.
Other names: c.559A>G, p.Ser187Gly (NM_001346599.2); c.-227A>G (NM_001346600.2); c.-130A>G (NM_001346601.2); c.-27-2768A>G (NM_001346603.2); short protein forms S187G, S265G.
Identifiers: ClinVar variation 1761307 (VCV001761307.2), dbSNP rs2485124238, ClinGen allele CA368806393.